The following is an entry in ClinVar:

NM_005359.6(SMAD4):c.1348C>T (p.Gln450Ter)

Gene: SMAD4 (SMAD family member 4; plus strand). Cytogenetic location: 18q21.2.
Variant type: single nucleotide variant.
Coding change: c.1348C>T on transcript NM_005359.6 (MANE Select); coding-DNA position 1348, C replaced by T.
Protein change: p.Gln450Ter; replaces glutamine 450 with a stop codon.
Molecular consequence: nonsense.
Genome position (GRCh38, 1-based): chr18:51,076,677, C>T. VCF-style: chr18-51076677-C-T. GRCh37 (hg19) VCF-style: chr18-48603047-C-T.
Other names: short protein forms Q450*.
Identifiers: ClinVar variation 838211 (VCV000838211.7), dbSNP rs1910478581, ClinGen allele CA402465191.
Genomic context (GRCh38, chr18:51,076,677, plus strand): 5'-TGAAATGTTTTTTCTTAAAAGGTCTTTGATTTGCGTCAGTGTCATCGACAGATGCAGCAG[C>T]AGGCGGCTACTGCACAAGCTGCAGCAGCTGCCCAGGCAGCAGCCGTGGCAGGAAACATCC-3'

ClinVar aggregate classification (germline): Pathogenic (1 of 4 stars; one submission).

Conditions:
Juvenile polyposis syndrome (JPS). Identifiers: Orphanet 2929, MedGen C0345893, MONDO:0017380, OMIM 174900.

Submission:

Labcorp Genetics (formerly Invitae), Labcorp
Classification: Pathogenic for Juvenile polyposis syndrome. Last evaluated: 2019-05-02. Review status: criteria provided, single submitter. Criteria: Invitae Variant Classification Sherloc (09022015). Collection method: clinical testing. Allele origin: germline.
Comment: For these reasons, this variant has been classified as Pathogenic. Loss-of-function variants in SMAD4 are known to be pathogenic (PMID: 16152648, 16436638, 22810475). This variant has not been reported in the literature in individuals with SMAD4-related conditions. This variant is not present in population databases (ExAC no frequency). This sequence change creates a premature translational stop signal (p.Gln450*) in the SMAD4 gene. It is expected to result in an absent or disrupted protein product.

Literature cited by the submitters: PubMed 16152648; PubMed 16436638; PubMed 22810475.